The following is an entry in ClinVar:

NM_001197104.2(KMT2A):c.1509G>C (p.Arg503=)

Gene: KMT2A (lysine methyltransferase 2A; plus strand). Cytogenetic location: 11q23.3.
Variant type: single nucleotide variant.
Coding change: c.1509G>C on transcript NM_001197104.2 (MANE Select); coding-DNA position 1509, G replaced by C.
Protein change: p.Arg503=; no amino-acid change (arginine 503 retained).
Molecular consequence: synonymous variant.
Genome position (GRCh38, 1-based): chr11:118,472,668, G>C. VCF-style: chr11-118472668-G-C. GRCh37 (hg19) VCF-style: chr11-118343383-G-C.
Other names: c.1509G>C, p.Arg503= (NM_005933.4).
Identifiers: ClinVar variation 1196517 (VCV001196517.36), dbSNP rs374716873, ClinGen allele CA6303410.
Genomic context (GRCh38, chr11:118,472,668, plus strand): 5'-TGTTGATACCTCCACAGACTCTCAGGCTTCTGAGGAGATTCAGGTACTTCCTGAGGAGCG[G>C]AGCGATACCCCTGAAGTTCATCCTCCACTGCCCATTTCCCAGTCCCCAGAAAATGAGAGT-3'
Protein context (NP_001184033.1, residues 493-513): SEEIQVLPEE[Arg503=]SDTPEVHPPL

ClinVar aggregate classification (germline): Likely benign. Review status: criteria provided, multiple submitters, no conflicts (2 of 4 stars). 5 submissions from 5 submitters: Likely benign (4). 1 of the submissions does not count toward it. Last evaluated 2026-01-19.

Conditions:
KMT2A-related disorder. Also called: KMT2A-related condition.

Allele frequency attached by ClinVar (database versions not stated): gnomAD 0.00004 and 0.00005; ExAC 0.00005; gnomAD exomes 0.00007 and 0.00009; ESP Exome Variant Server 0.00008; TOPMed 0.00008.
gnomAD v4.1: 111 of 1,612,964 alleles (0.0069%); highest among the groups gnomAD compares: Middle Eastern, 0.12%; no homozygotes.

Submissions (5):

Labcorp Genetics (formerly Invitae), Labcorp
Classification: Likely benign. Last evaluated: 2026-01-19. Review status: criteria provided, single submitter. Criteria: Invitae Variant Classification Sherloc (09022015). Collection method: clinical testing. Allele origin: germline.

Blueprint Genetics
Classification: Likely benign. Last evaluated: 2024-09-06. Review status: criteria provided, single submitter. Criteria: ACMG Guidelines, 2015. Collection method: clinical testing. Allele origin: germline.

CeGaT Center for Human Genetics Tuebingen
Classification: Likely benign. Last evaluated: 2023-10-01. Review status: criteria provided, single submitter. Criteria: CeGaT Center For Human Genetics Tuebingen Variant Classification Criteria Version 2. Collection method: clinical testing. Allele origin: germline. Affected: yes. Observed: 1 variant allele.
Comment: KMT2A: BP4, BP7

GeneDx
Classification: Likely benign. Last evaluated: 2020-10-28. Review status: criteria provided, single submitter. Criteria: GeneDx Variant Classification Process June 2021. Collection method: clinical testing. Allele origin: germline. Affected: yes.

PreventionGenetics, part of Exact Sciences
Classification: Likely benign for KMT2A-related condition. Last evaluated: 2019-06-26. Review status: no assertion criteria provided. Collection method: clinical testing. Allele origin: germline. Not counted in ClinVar's aggregate classification.
Comment: This variant is classified as likely benign based on ACMG/AMP sequence variant interpretation guidelines (Richards et al. 2015 PMID: 25741868, with internal and published modifications).